The following is an entry in ClinVar:

ClinVar aggregate classification (germline): Pathogenic (1 of 4 stars; one submission).

Submission:

Labcorp Genetics (formerly Invitae), Labcorp
Classification: Pathogenic. Last evaluated: 2024-02-22. Review status: criteria provided, single submitter. Criteria: Invitae Variant Classification Sherloc (09022015). Collection method: clinical testing. Allele origin: germline.
Comment: This sequence change creates a premature translational stop signal (p.His2848Metfs*141) in the ZNF469 gene. While this is not anticipated to result in nonsense mediated decay, it is expected to disrupt the last 1078 amino acid(s) of the ZNF469 protein. This variant is not present in population databases (gnomAD no frequency). This variant has not been reported in the literature in individuals affected with ZNF469-related conditions. This variant disrupts a region of the ZNF469 protein in which other variant(s) (p.Pro3556Glnfs*136) have been determined to be pathogenic (PMID: 32671420). This suggests that this is a clinically significant region of the protein, and that variants that disrupt it are likely to be disease-causing. For these reasons, this variant has been classified as Pathogenic.

Literature cited by the submitters: PubMed 32671420.

NM_001367624.2(ZNF469):c.8626del (p.His2876fs)

Gene: ZNF469 (zinc finger protein 469; plus strand). Cytogenetic location: 16q24.2.
Variant type: Deletion.
Coding change: c.8626del on transcript NM_001367624.2 (MANE Select); coding-DNA position 8626, one base deleted (C; older notation c.8626delC).
Protein change: p.His2876fs; shifts the reading frame from histidine 2876.
Molecular consequence: frameshift variant.
Genome position (GRCh38, 1-based): chr16:88,436,096, C deleted. VCF-style (leftmost placement, unchanged base first): chr16-88436095-GC-G. GRCh37 (hg19) VCF-style: chr16-88502503-GC-G.
Other names: short protein forms H2876fs.
Identifiers: ClinVar variation 2764973 (VCV002764973.3), dbSNP rs2507600316, ClinGen allele CA2697555984.